The following is an entry in ClinVar:

ClinVar aggregate classification (germline): Pathogenic. Review status: criteria provided, multiple submitters, no conflicts (2 of 4 stars). 3 submissions from 3 submitters: Pathogenic (3). Last evaluated 2024-02-20.

Conditions:
Hereditary cancer-predisposing syndrome. Also called: Tumor predisposition; Hereditary Cancer Syndrome; Hereditary neoplastic syndrome; Neoplastic Syndromes, Hereditary. Identifiers: Orphanet 140162, MedGen C0027672, MeSH D009386, MONDO:0015356.
Hereditary breast ovarian cancer syndrome. Also called: Breast and ovarian cancer; Hereditary breast and/or ovarian cancer syndrome; BRCA1- and BRCA2-Associated Hereditary Breast and Ovarian Cancer; Hereditary breast and ovarian cancer syndrome; Hereditary breast and ovarian cancer syndrome (HBOC); Hereditary breast and ovarian cancer. Identifiers: Orphanet 145, MedGen C0677776, MeSH D061325, MONDO:0003582. Disease mechanism: loss of function.
Breast-ovarian cancer, familial, susceptibility to, 1 (BROVCA1). Also called: BRCA1 Hereditary Breast and Ovarian Cancer; OVARIAN CANCER, SUSCEPTIBILITY TO. Identifiers: Orphanet 145, MedGen C2676676, MONDO:0011450, OMIM 604370. Disease mechanism: loss of function.

Submissions (3):

Baylor Genetics
Classification: Pathogenic for Breast-ovarian cancer, familial, susceptibility to, 1. Last evaluated: 2024-02-20. Review status: criteria provided, single submitter. Criteria: ACMG Guidelines, 2015. Collection method: clinical testing. Allele origin: unknown.

Labcorp Genetics (formerly Invitae), Labcorp
Classification: Pathogenic for Hereditary breast ovarian cancer syndrome. Last evaluated: 2023-07-25. Review status: criteria provided, single submitter. Criteria: Invitae Variant Classification Sherloc (09022015). Collection method: clinical testing. Allele origin: germline.
Comment: This sequence change creates a premature translational stop signal (p.Asn473Thrfs*2) in the BRCA1 gene. It is expected to result in an absent or disrupted protein product. Loss-of-function variants in BRCA1 are known to be pathogenic (PMID: 20104584). This variant is not present in population databases (gnomAD no frequency). This premature translational stop signal has been observed in individual(s) with breast and/or ovarian cancer (PMID: 26911350). ClinVar contains an entry for this variant (Variation ID: 491034). For these reasons, this variant has been classified as Pathogenic.

Color Diagnostics, LLC DBA Color Health
Classification: Pathogenic for Hereditary cancer-predisposing syndrome. Last evaluated: 2021-10-29. Review status: criteria provided, single submitter. Criteria: ACMG Guidelines, 2015. Collection method: clinical testing. Allele origin: germline.
Comment: This variant deletes 1 nucleotide in exon 10 of the BRCA1 gene, creating a frameshift and premature translation stop signal. This variant is expected to result in an absent or non-functional protein product. This variant has been observed in two families affected with breast and ovarian cancer (PMID: 31409081). This variant has not been identified in the general population by the Genome Aggregation Database (gnomAD). Loss of BRCA1 function is a known mechanism of disease. Based on the available evidence, this variant is classified as Pathogenic.

Literature cited by the submitters: PubMed 20104584 (cited by Labcorp Genetics (formerly Invitae), Labcorp); PubMed 26911350 (cited by Labcorp Genetics (formerly Invitae), Labcorp); PubMed 31409081 (cited by Color Diagnostics, LLC DBA Color Health).

NM_007294.4(BRCA1):c.1416del (p.Asn473fs)

Gene: BRCA1 (BRCA1 DNA repair associated; minus strand). Cytogenetic location: 17q21.31.
Variant type: Deletion.
Coding change: c.1416del on transcript NM_007294.4 (MANE Select); coding-DNA position 1416, one base deleted (C; older notation c.1416delC).
Protein change: p.Asn473fs; shifts the reading frame from asparagine 473.
Molecular consequence: frameshift variant. On other transcripts: intron variant (137).
Genome position (GRCh38, 1-based): chr17:43,094,115, G deleted on the plus strand (C on the coding strand, the reverse complement: BRCA1 is on the minus strand); the first of 4 consecutive G bases (chr17:43,094,115-43,094,118); deleting any one gives the same sequence. VCF-style (leftmost placement, unchanged base first): chr17-43094114-TG-T. GRCh37 (hg19) VCF-style: chr17-41246131-TG-T.
Other names: c.1416delC (NM_007294.3); c.1152del, p.Asn385fs (NM_001407935.1, NM_001407920.1, NM_001407921.1 and 9 more transcripts); c.1149del, p.Asn384fs (NM_001407936.1, NM_001407930.1, NM_001407931.1 and 2 more transcripts); c.1293del, p.Asn432fs (NM_001407937.1, NM_001407938.1, NM_001407939.1 and 19 more transcripts); c.1290del, p.Asn431fs (NM_001407940.1, NM_001407941.1, NM_001407649.1 and 11 more transcripts); c.1275del, p.Asn426fs (NM_001407942.1, NM_001407944.1, NM_001407945.1 and 29 more transcripts); c.1272del, p.Asn425fs (NM_001407943.1, NM_001407964.1, NM_001407740.1 and 20 more transcripts); c.1083del, p.Asn362fs (NM_001407946.1, NM_001407947.1, NM_001407948.1 and 6 more transcripts); and 42 more; short protein forms N426fs, N473fs, N305fs, N402fs, N177fs, N361fs, N384fs, N403fs.
Identifiers: ClinVar variation 491034 (VCV000491034.10), dbSNP rs1555591774, ClinGen allele CA658684118.